The following is an entry in ClinVar:

NM_000316.3(PTH1R):c.883A>G (p.Asn295Asp)

Gene: PTH1R (parathyroid hormone 1 receptor; plus strand). Cytogenetic location: 3p21.31.
Variant type: single nucleotide variant.
Coding change: c.883A>G on transcript NM_000316.3 (MANE Select); coding-DNA position 883, A replaced by G.
Protein change: p.Asn295Asp; replaces asparagine 295 with aspartic acid.
Molecular consequence: missense variant.
Genome position (GRCh38, 1-based): chr3:46,899,351, A>G. VCF-style: chr3-46899351-A-G. GRCh37 (hg19) VCF-style: chr3-46940841-A-G.
Other names: c.883A>G, p.Asn295Asp (NM_001184744.1); short protein forms N295D.
Identifiers: ClinVar variation 1915167 (VCV001915167.5), dbSNP rs202059785, ClinGen allele CA73770295.

ClinVar aggregate classification (germline): Uncertain significance (1 of 4 stars; one submission).

Allele frequency attached by ClinVar (database versions not stated): gnomAD exomes below 0.00001.
gnomAD v4.1: 5 of 1,614,036 alleles (0.00031%); highest among the groups gnomAD compares: Non-Finnish European, 0.00042%; no homozygotes.

Submission:

Labcorp Genetics (formerly Invitae), Labcorp
Classification: Uncertain significance. Last evaluated: 2022-03-22. Review status: criteria provided, single submitter. Criteria: Invitae Variant Classification Sherloc (09022015). Collection method: clinical testing. Allele origin: germline.
Comment: In summary, the available evidence is currently insufficient to determine the role of this variant in disease. Therefore, it has been classified as a Variant of Uncertain Significance. Algorithms developed to predict the effect of missense changes on protein structure and function are either unavailable or do not agree on the potential impact of this missense change (SIFT: "Deleterious"; PolyPhen-2: "Probably Damaging"; Align-GVGD: "Class C15"). This variant has not been reported in the literature in individuals affected with PTH1R-related conditions. This variant is not present in population databases (gnomAD no frequency). This sequence change replaces asparagine, which is neutral and polar, with aspartic acid, which is acidic and polar, at codon 295 of the PTH1R protein (p.Asn295Asp).